The following is an entry in ClinVar:

NM_001040108.2(MLH3):c.2357T>C (p.Val786Ala)

Gene: MLH3 (mutL homolog 3; minus strand). Cytogenetic location: 14q24.3.
Variant type: single nucleotide variant.
Coding change: c.2357T>C on transcript NM_001040108.2 (MANE Select); coding-DNA position 2357, T replaced by C.
Protein change: p.Val786Ala; replaces valine 786 with alanine.
Molecular consequence: missense variant.
Genome position (GRCh38, 1-based): chr14:75,047,299, A>G on the plus strand (T>C on the coding strand, the complement: MLH3 is on the minus strand). VCF-style: chr14-75047299-A-G. GRCh37 (hg19) VCF-style: chr14-75514002-A-G.
Other names: c.2357T>C, p.Val786Ala (NM_014381.3); short protein forms V786A.
Identifiers: ClinVar variation 1790092 (VCV001790092.3), dbSNP rs1221420695, ClinGen allele CA390440874.

ClinVar aggregate classification (germline): Uncertain significance (1 of 4 stars; one submission).

Allele frequency attached by ClinVar (database versions not stated): gnomAD exomes below 0.00001; gnomAD 0.00001; TOPMed 0.00001.
gnomAD v4.1: 3 of 1,614,036 alleles (0.00019%); highest among the groups gnomAD compares: African/African-American, 0.0027%; no homozygotes.

Submission:

Ambry Genetics
Classification: Uncertain significance. Last evaluated: 2024-10-02. Review status: criteria provided, single submitter. Criteria: Ambry Variant Classification Scheme 2023. Collection method: clinical testing. Allele origin: germline.
Comment: The p.V786A variant (also known as c.2357T>C), located in coding exon 1 of the MLH3 gene, results from a T to C substitution at nucleotide position 2357. The valine at codon 786 is replaced by alanine, an amino acid with similar properties. This amino acid position is conserved. In addition, this alteration is predicted to be tolerated by in silico analysis. Since supporting evidence is limited at this time, the clinical significance of this alteration remains unclear.